The following is an entry in ClinVar:

NM_002661.5(PLCG2):c.1153G>A (p.Val385Ile)

Gene: PLCG2 (phospholipase C gamma 2; plus strand). Cytogenetic location: 16q23.3.
Variant type: single nucleotide variant.
Coding change: c.1153G>A on transcript NM_002661.5 (MANE Select); coding-DNA position 1153, G replaced by A.
Protein change: p.Val385Ile; replaces valine 385 with isoleucine.
Molecular consequence: missense variant.
Genome position (GRCh38, 1-based): chr16:81,895,887, G>A. VCF-style: chr16-81895887-G-A. GRCh37 (hg19) VCF-style: chr16-81929492-G-A.
Other names: c.1153G>A, p.Val385Ile (NM_001425749.1, NM_001425750.1, NM_001425751.1); short protein forms V385I.
Identifiers: ClinVar variation 3618852 (VCV003618852.2).

ClinVar aggregate classification (germline): Uncertain significance (1 of 4 stars; one submission).

Conditions:
Familial cold autoinflammatory syndrome 3 (FCAS3). Also called: ANTIBODY DEFICIENCY AND IMMUNE DYSREGULATION, PLCG2-ASSOCIATED; FAMILIAL ATYPICAL COLD URTICARIA. Identifiers: Orphanet 300359, MedGen C3280914, MONDO:0013766, OMIM 614468.

gnomAD v4.1: 14 of 1,614,012 alleles (0.00087%); highest among the groups gnomAD compares: South Asian, 0.012%; no homozygotes.

Submission:

Labcorp Genetics (formerly Invitae), Labcorp
Classification: Uncertain significance for Familial cold autoinflammatory syndrome 3. Last evaluated: 2024-04-07. Review status: criteria provided, single submitter. Criteria: Invitae Variant Classification Sherloc (09022015). Collection method: clinical testing. Allele origin: germline.
Comment: This sequence change replaces valine, which is neutral and non-polar, with isoleucine, which is neutral and non-polar, at codon 385 of the PLCG2 protein (p.Val385Ile). This variant is present in population databases (rs777445397, gnomAD 0.01%). This variant has not been reported in the literature in individuals affected with PLCG2-related conditions. An algorithm developed to predict the effect of missense changes on protein structure and function (PolyPhen-2) suggests that this variant is likely to be tolerated. In summary, the available evidence is currently insufficient to determine the role of this variant in disease. Therefore, it has been classified as a Variant of Uncertain Significance.